The following is an entry in ClinVar:

NM_002294.3(LAMP2):c.565del (p.Cys189fs)

Gene: LAMP2 (lysosome associated membrane protein 2; minus strand). Cytogenetic location: Xq24.
Variant type: Deletion.
Coding change: c.565del on transcript NM_002294.3 (MANE Select); coding-DNA position 565, one base deleted (T; older notation c.565delT).
Protein change: p.Cys189fs; shifts the reading frame from cysteine 189.
Molecular consequence: frameshift variant.
Genome position (GRCh38, 1-based): chrX:120,448,017, A deleted on the plus strand (T on the coding strand, the reverse complement: LAMP2 is on the minus strand). VCF-style (leftmost placement, unchanged base first): chrX-120448016-CA-C. GRCh37 (hg19) VCF-style: chrX-119581871-CA-C.
Other names: c.565del, p.Cys189fs (NM_001122606.1, NM_013995.2); short protein forms C189fs.
Identifiers: ClinVar variation 2002178 (VCV002002178.4), dbSNP rs2520884993, ClinGen allele CA2580100297.
Genomic context (GRCh38, chrX:120,448,016, plus strand): 5'-GTAGGAGATGGCACAGTGGTGTGTATGGTGGGTGCCACTGTTGAAGTTTTGTCTTTATCA[CA>C]CAGGAACTCTAAAACAAGCGAAAAGGGACAAAAGAAACCAAAGCGGACATTTTCTTAATT-3'

ClinVar aggregate classification (germline): Pathogenic (1 of 4 stars; one submission).

Conditions:
Danon disease. Also called: Glycogen Storage Disease Type IIb; ANTOPOL DISEASE; PSEUDOGLYCOGENOSIS II; GSD IIb; LYSOSOMAL GLYCOGEN STORAGE DISEASE WITHOUT ACID MALTASE DEFICIENCY. Identifiers: Orphanet 34587, MedGen C0878677, MONDO:0010281, OMIM 300257.

Submission:

Labcorp Genetics (formerly Invitae), Labcorp
Classification: Pathogenic for Danon disease. Last evaluated: 2022-06-03. Review status: criteria provided, single submitter. Criteria: Invitae Variant Classification Sherloc (09022015). Collection method: clinical testing. Allele origin: germline.
Comment: For these reasons, this variant has been classified as Pathogenic. This premature translational stop signal has been observed in individual(s) with Danon disease (Invitae). This variant is not present in population databases (gnomAD no frequency). This sequence change creates a premature translational stop signal (p.Cys189Valfs*53) in the LAMP2 gene. It is expected to result in an absent or disrupted protein product. Loss-of-function variants in LAMP2 are known to be pathogenic (PMID: 21415759).

Literature cited by the submitters: PubMed 21415759.